The following is an entry in ClinVar:

NM_000719.7(CACNA1C):c.919G>A (p.Val307Ile)

Gene: CACNA1C (calcium voltage-gated channel subunit alpha1 C; plus strand). Cytogenetic location: 12p13.33.
Variant type: single nucleotide variant.
Coding change: c.919G>A on transcript NM_000719.7 (MANE Select); coding-DNA position 919, G replaced by A.
Protein change: p.Val307Ile; replaces valine 307 with isoleucine.
Molecular consequence: missense variant. On other transcripts: intron variant (1).
Genome position (GRCh38, 1-based): chr12:2,493,192, G>A. VCF-style: chr12-2493192-G-A. GRCh37 (hg19) VCF-style: chr12-2602358-G-A.
Other names: c.919G>A, p.Val307Ile (NM_001129831.2, NM_001129832.2, NM_001129833.2 and 18 more transcripts); c.917-7G>A (NM_001129844.2); short protein forms V307I.
Identifiers: ClinVar variation 2893557 (VCV002893557.3), dbSNP rs951145711, ClinGen allele CA231597572.

ClinVar aggregate classification (germline): Uncertain significance (1 of 4 stars; one submission).

Conditions:
Long QT syndrome (LQTS). Identifiers: MedGen C0023976, MeSH D008133, MONDO:0002442. Disease mechanism: loss of function. Inheritance: Various modes of inheritance.

Submission:

Labcorp Genetics (formerly Invitae), Labcorp
Classification: Uncertain significance for Long QT syndrome. Last evaluated: 2023-09-28. Review status: criteria provided, single submitter. Criteria: Invitae Variant Classification Sherloc (09022015). Collection method: clinical testing. Allele origin: germline.
Comment: This sequence change replaces valine, which is neutral and non-polar, with isoleucine, which is neutral and non-polar, at codon 307 of the CACNA1C protein (p.Val307Ile). This variant is not present in population databases (gnomAD no frequency). This variant has not been reported in the literature in individuals affected with CACNA1C-related conditions. An algorithm developed to predict the effect of missense changes on protein structure and function (PolyPhen-2) suggests that this variant is likely to be tolerated. In summary, the available evidence is currently insufficient to determine the role of this variant in disease. Therefore, it has been classified as a Variant of Uncertain Significance.